The following is an entry in ClinVar:

ClinVar aggregate classification (germline): Uncertain significance (1 of 4 stars; one submission).

Conditions:
ATP10A-related disorder. Also called: ATP10A-related condition.

Submission:

PreventionGenetics, part of Exact Sciences
Classification: Uncertain significance for ATP10A-related condition. Last evaluated: 2023-01-25. Review status: criteria provided, single submitter. Criteria: ACMG Guidelines, 2015. Collection method: clinical testing. Allele origin: germline.
Comment: The ATP10A c.2967_2974delinsATT variant is predicted to result in a frameshift and premature protein termination (p.Asp989Glufs*41). To our knowledge, this variant has not been reported in the literature or in a large population database, indicating this variant is rare. At this time, the clinical significance of this variant is uncertain due to the absence of conclusive functional and genetic evidence.

NM_024490.4(ATP10A):c.2967_2974delinsATT (p.Asp989fs)

Gene: ATP10A (ATPase phospholipid transporting 10A (putative); minus strand). Cytogenetic location: 15q12.
Variant type: Indel.
Coding change: c.2967_2974delinsATT on transcript NM_024490.4 (MANE Select); coding-DNA positions 2967 to 2974, CAAATTCC replaced by ATT.
Protein change: p.Asp989fs; shifts the reading frame from aspartic acid 989.
Molecular consequence: frameshift variant.
Genome position (GRCh38, 1-based): chr15:25,694,933-25,694,940, GGAATTTG replaced by AAT on the plus strand (CAAATTCC replaced by ATT on the coding strand, the reverse complement: ATP10A is on the minus strand). VCF-style: chr15-25694933-GGAATTTG-AAT. GRCh37 (hg19) VCF-style: chr15-25940080-GGAATTTG-AAT.
Other names: short protein forms D989fs.
Identifiers: ClinVar variation 2629785 (VCV002629785.1), dbSNP rs2504025746, ClinGen allele CA2695197233.
Genomic context (GRCh38, chr15:25,694,933, plus strand): 5'-TCTTCTGCAGAGGCGTCGACCGACAGCAGAGGACGGAGCGGCACTGCTTGGCAAGGAAGA[GGAATTTG>AAT]TCCTCCAGGTTTTTCTCGAGAGCGTAGGCCAGGCTTCTCCCATCGATCACGAGGCTGGGT-3'